The following is an entry in ClinVar:

NM_001349.4(DARS1):c.735C>G (p.Tyr245Ter)

Gene: DARS1 (aspartyl-tRNA synthetase 1; minus strand). Cytogenetic location: 2q21.3.
Variant type: single nucleotide variant.
Coding change: c.735C>G on transcript NM_001349.4 (MANE Select); coding-DNA position 735, C replaced by G.
Protein change: p.Tyr245Ter; replaces tyrosine 245 with a stop codon.
Molecular consequence: nonsense.
Genome position (GRCh38, 1-based): chr2:135,922,860, G>C on the plus strand (C>G on the coding strand, the complement: DARS1 is on the minus strand). VCF-style: chr2-135922860-G-C. GRCh37 (hg19) VCF-style: chr2-136680430-G-C.
Other names: c.435C>G, p.Tyr145Ter (NM_001293312.1); short protein forms Y145*, Y245*.
Identifiers: ClinVar variation 3765823 (VCV003765823.1).
Genomic context (GRCh38, chr2:135,922,860, plus strand): 5'-AACCTTCTCAAAATCAGCACAAATGCACATTTGCTTATATAGCTGTGGGGACTGAGCCAG[G>C]TATGCATTATTTTTAAAATATGACACAGTAAAAACATTGGCTCCTCCTTCACTGGCAGCT-3'

ClinVar aggregate classification (germline): Likely pathogenic (1 of 4 stars; one submission).

Conditions:
Hypomyelination with brain stem and spinal cord involvement and leg spasticity. Also called: ASPARTYL-tRNA SYNTHETASE DEFICIENCY; Hypomyelination with brainstem and spinal cord involvement and leg spasticity. Identifiers: Orphanet 363412, MedGen C4755254, MONDO:0014115, OMIM 615281.

gnomAD v4.1: 3 of 1,584,982 alleles (0.00019%); highest among the groups gnomAD compares: Non-Finnish European, 0.00026%; no homozygotes.

Submission:

Greenwood Genetic Center Diagnostic Laboratories, Greenwood Genetic Center
Classification: Likely pathogenic for Hypomyelination with brain stem and spinal cord involvement and leg spasticity. Last evaluated: 2024-12-12. Review status: criteria provided, single submitter. Criteria: ACMG Guidelines, 2015. Collection method: clinical testing. Allele origin: germline. Affected: yes.
Comment: PVS1, PM2